The following is an entry in ClinVar:

ClinVar aggregate classification (germline): Benign/Likely benign. Review status: criteria provided, multiple submitters, no conflicts (2 of 4 stars). 2 submissions from 2 submitters: Benign (1); Likely benign (1). Last evaluated 2025-05-15.

Conditions:
Pityriasis rubra pilaris (PRP). Also called: Pityriasis rubra pilaris--familial type. Identifiers: Orphanet 2897, MedGen C0032027, MONDO:0100017, OMIM 173200, MONDO:0008251.
Psoriasis 2. Identifiers: MedGen C1864497, MONDO:0011269, OMIM 602723.

Allele frequency attached by ClinVar (database versions not stated): gnomAD exomes 0.00005 and 0.00012; TOPMed 0.00006; gnomAD 0.00007; ExAC 0.00010.
gnomAD v4.1: 90 of 1,591,488 alleles (0.0057%); highest among the groups gnomAD compares: Non-Finnish European, 0.0019%; no homozygotes.

Submissions (2):

Labcorp Genetics (formerly Invitae), Labcorp
Classification: Benign for Pityriasis rubra pilaris; Psoriasis 2. Last evaluated: 2025-05-15. Review status: criteria provided, single submitter. Criteria: Invitae Variant Classification Sherloc (09022015). Collection method: clinical testing. Allele origin: germline.

CeGaT Center for Human Genetics Tuebingen
Classification: Likely benign. Last evaluated: 2025-05-01. Review status: criteria provided, single submitter. Criteria: CeGaT Center For Human Genetics Tuebingen Variant Classification Criteria Version 2. Collection method: clinical testing. Allele origin: germline. Affected: yes. Observed: 1 variant allele.
Comment: CARD14: BP4, BP7

NM_001366385.1(CARD14):c.936C>T (p.Ala312=)

Gene: CARD14 (caspase recruitment domain family member 14; plus strand). Cytogenetic location: 17q25.3.
Variant type: single nucleotide variant.
Coding change: c.936C>T on transcript NM_001366385.1 (MANE Select); coding-DNA position 936, C replaced by T.
Protein change: p.Ala312=; no amino-acid change (alanine 312 retained).
Molecular consequence: synonymous variant. On other transcripts: non-coding transcript variant (1).
Genome position (GRCh38, 1-based): chr17:80,189,845, C>T. VCF-style: chr17-80189845-C-T. GRCh37 (hg19) VCF-style: chr17-78163644-C-T.
Other names: c.936C>T, p.Ala312= (NM_001257970.1, NM_024110.4); c.225C>T, p.Ala75= (NM_052819.3).
Identifiers: ClinVar variation 1170322 (VCV001170322.19), dbSNP rs774862255, ClinGen allele CA8816583.
Genomic context (GRCh38, chr17:80,189,845, plus strand): 5'-CGAGGCGCGGGGGAGCCGACAGGAGCTGGTGGAGCGCATCCACTCGCTGCGGGAGCGGGC[C>T]GTGGCTGCCGAGAGGCAGCGAGAGCAGGTGCCGTGTGAGCCCTTCCTCCCTTGTGACTCT-3'
Protein context (NP_001353314.1, residues 302-322): VERIHSLRER[Ala312=]VAAERQREQY